The following is an entry in ClinVar:

ClinVar aggregate classification (germline): Uncertain significance (1 of 4 stars; one submission).

Allele frequency attached by ClinVar (database versions not stated): TOPMed 0.00003.
gnomAD v4.1: 11 of 1,614,212 alleles (0.00068%); highest among the groups gnomAD compares: Non-Finnish European, 0.00085%; no homozygotes.

Submission:

Labcorp Genetics (formerly Invitae), Labcorp
Classification: Uncertain significance. Last evaluated: 2021-04-12. Review status: criteria provided, single submitter. Criteria: Invitae Variant Classification Sherloc (09022015). Collection method: clinical testing. Allele origin: germline.
Comment: This sequence change replaces glutamine with arginine at codon 449 of the ARMC9 protein (p.Gln449Arg). The glutamine residue is highly conserved and there is a small physicochemical difference between glutamine and arginine. This variant is not present in population databases (ExAC no frequency). This variant has not been reported in the literature in individuals with ARMC9-related conditions. Experimental studies and prediction algorithms are not available or were not evaluated, and the functional significance of this variant is currently unknown. In summary, the available evidence is currently insufficient to determine the role of this variant in disease. Therefore, it has been classified as a Variant of Uncertain Significance.

NM_001352754.2(ARMC9):c.1346A>G (p.Gln449Arg)

Gene: ARMC9 (armadillo repeat containing 9; plus strand). Cytogenetic location: 2q37.1.
Variant type: single nucleotide variant.
Coding change: c.1346A>G on transcript NM_001352754.2 (MANE Select); coding-DNA position 1346, A replaced by G.
Protein change: p.Gln449Arg; replaces glutamine 449 with arginine.
Molecular consequence: missense variant. On other transcripts: non-coding transcript variant (1).
Genome position (GRCh38, 1-based): chr2:231,276,647, A>G. VCF-style: chr2-231276647-A-G. GRCh37 (hg19) VCF-style: chr2-232141360-A-G.
Other names: c.1346A>G, p.Gln449Arg (NM_001271466.4, NM_001291656.2, NM_001352755.2 and 3 more transcripts); c.1247A>G, p.Gln416Arg (NM_001352757.2, NM_001352758.2); short protein forms Q449R, Q416R.
Identifiers: ClinVar variation 1491243 (VCV001491243.3), dbSNP rs113569367, ClinGen allele CA66824003.